The following is an entry in ClinVar:

ClinVar aggregate classification (germline): Uncertain significance. Review status: criteria provided, multiple submitters, no conflicts (2 of 4 stars). 2 submissions from 2 submitters: Uncertain significance (2). Last evaluated 2023-01-01.

Conditions:
Hereditary cancer-predisposing syndrome. Also called: Hereditary Cancer Syndrome; Hereditary neoplastic syndrome; Neoplastic Syndromes, Hereditary; Tumor predisposition. Identifiers: Orphanet 140162, MedGen C0027672, MeSH D009386, MONDO:0015356.
Familial adenomatous polyposis 1 (FAP1). Also called: POLYPOSIS, ADENOMATOUS INTESTINAL; FAMILIAL ADENOMATOUS POLYPOSIS 1, ATTENUATED. Identifiers: MedGen C2713442, MONDO:0021056, OMIM 175100. Disease mechanism: loss of function.

Submissions (2):

Ambry Genetics
Classification: Uncertain significance for Hereditary cancer-predisposing syndrome. Last evaluated: 2023-01-01. Review status: criteria provided, single submitter. Criteria: Ambry Variant Classification Scheme 2023. Collection method: clinical testing. Allele origin: germline.
Comment: The p.E1047D variant (also known as c.3141A>C), located in coding exon 15 of the APC gene, results from an A to C substitution at nucleotide position 3141. The glutamic acid at codon 1047 is replaced by aspartic acid, an amino acid with highly similar properties. This amino acid position is conserved. In addition, in silico predictors for this gene do not accurately predict pathogenicity. Since supporting evidence is limited at this time, the clinical significance of this alteration remains unclear.

Labcorp Genetics (formerly Invitae), Labcorp
Classification: Uncertain significance for Familial adenomatous polyposis 1. Last evaluated: 2021-04-08. Review status: criteria provided, single submitter. Criteria: Invitae Variant Classification Sherloc (09022015). Collection method: clinical testing. Allele origin: germline.
Comment: In summary, the available evidence is currently insufficient to determine the role of this variant in disease. Therefore, it has been classified as a Variant of Uncertain Significance. Algorithms developed to predict the effect of missense changes on protein structure and function (SIFT, PolyPhen-2, Align-GVGD) all suggest that this variant is likely to be tolerated, but these predictions have not been confirmed by published functional studies and their clinical significance is uncertain. This variant has not been reported in the literature in individuals with APC-related conditions. This variant is not present in population databases (ExAC no frequency). This sequence change replaces glutamic acid with aspartic acid at codon 1047 of the APC protein (p.Glu1047Asp). The glutamic acid residue is highly conserved and there is a small physicochemical difference between glutamic acid and aspartic acid.

NM_000038.6(APC):c.3141A>C (p.Glu1047Asp)

Gene: APC (APC regulator of Wnt signaling pathway; plus strand). Cytogenetic location: 5q22.2.
Variant type: single nucleotide variant.
Coding change: c.3141A>C on transcript NM_000038.6 (MANE Select); coding-DNA position 3141, A replaced by C.
Protein change: p.Glu1047Asp; replaces glutamic acid 1047 with aspartic acid.
Molecular consequence: missense variant.
Genome position (GRCh38, 1-based): chr5:112,838,735, A>C. VCF-style: chr5-112838735-A-C. GRCh37 (hg19) VCF-style: chr5-112174432-A-C.
Other names: c.3141A>C, p.Glu1047Asp (NM_001127510.3, NM_001354895.2); c.3087A>C, p.Glu1029Asp (NM_001127511.3); c.3195A>C, p.Glu1065Asp (NM_001354896.2); c.3171A>C, p.Glu1057Asp (NM_001354897.2); c.3066A>C, p.Glu1022Asp (NM_001354898.2); c.3057A>C, p.Glu1019Asp (NM_001354899.2); c.3018A>C, p.Glu1006Asp (NM_001354900.2); c.2964A>C, p.Glu988Asp (NM_001354901.2); and 6 more; short protein forms E1019D, E1047D, E1065D, E921D, E946D, E956D, E988D, E1029D.
Identifiers: ClinVar variation 1430997 (VCV001430997.10), dbSNP rs2149885282, ClinGen allele CA16028217.